The following is an entry in ClinVar:

ClinVar aggregate classification (germline): Conflicting classifications of pathogenicity. Review status: criteria provided, conflicting classifications (1 of 4 stars). 4 submissions from 4 submitters: Uncertain significance (1); Likely benign (3). Last evaluated 2025-06-01.

Conditions:
3MC syndrome 1. Also called: MICHELS SYNDROME; OCULOPALATOSKELETAL SYNDROME; CRANIOSYNOSTOSIS WITH LID ANOMALIES. Identifiers: Orphanet 293843, MedGen C0796059, MONDO:0009770, OMIM 257920.

Allele frequency attached by ClinVar (database versions not stated): ExAC 0.00003; TOPMed 0.00007.
gnomAD v4.1: 101 of 1,613,784 alleles (0.0063%); highest among the groups gnomAD compares: Non-Finnish European, 0.0079%; no homozygotes.

Submissions (4):

CeGaT Center for Human Genetics Tuebingen
Classification: Likely benign. Last evaluated: 2025-06-01. Review status: criteria provided, single submitter. Criteria: CeGaT Center For Human Genetics Tuebingen Variant Classification Criteria Version 2. Collection method: clinical testing. Allele origin: germline. Affected: yes. Observed: 2 variant alleles.
Comment: MASP1: BP4, BP7

Labcorp Genetics (formerly Invitae), Labcorp
Classification: Likely benign for 3MC syndrome 1. Last evaluated: 2024-10-24. Review status: criteria provided, single submitter. Criteria: Invitae Variant Classification Sherloc (09022015). Collection method: clinical testing. Allele origin: germline.

Blueprint Genetics
Classification: Likely benign. Last evaluated: 2024-10-04. Review status: criteria provided, single submitter. Criteria: ACMG Guidelines, 2015. Collection method: clinical testing. Allele origin: germline.

Eurofins Ntd Llc (ga)
Classification: Uncertain significance. Last evaluated: 2017-11-30. Review status: criteria provided, single submitter. Criteria: EGL Classification Definitions 2015. Collection method: clinical testing. Allele origin: germline. Observed: 1 variant allele, 1 heterozygote.

NM_139125.4(MASP1):c.1773C>T (p.Ala591=)

Gene: MASP1 (MBL associated serine protease 1; minus strand). Cytogenetic location: 3q27.3.
Variant type: single nucleotide variant.
Coding change: c.1773C>T on transcript NM_139125.4 (MANE Select); coding-DNA position 1773, C replaced by T.
Protein change: p.Ala591=; no amino-acid change (alanine 591 retained).
Molecular consequence: synonymous variant. On other transcripts: non-coding transcript variant (1), intron variant (1).
Genome position (GRCh38, 1-based): chr3:187,236,098, G>A on the plus strand (C>T on the coding strand, the complement: MASP1 is on the minus strand). VCF-style: chr3-187236098-G-A. GRCh37 (hg19) VCF-style: chr3-186953886-G-A.
Other names: c.1303+5383C>T (NM_001879.6).
Identifiers: ClinVar variation 595066 (VCV000595066.18), dbSNP rs753546269, ClinGen allele CA2749183.